The following is an entry in ClinVar:

ClinVar aggregate classification (germline): Likely benign (1 of 4 stars; one submission).

Conditions:
Arrhythmogenic right ventricular dysplasia 10. Also called: Arrhythmogenic Right Ventricular Dysplasia/Cardiomyopathy10; ARRHYTHMOGENIC RIGHT VENTRICULAR DYSPLASIA, FAMILIAL, 10; Arrhythmogenic right ventricular dysplasia/cardiomyopathy, type 10. Identifiers: MedGen C1857777, MONDO:0012434, OMIM 610193.

Allele frequency attached by ClinVar (database versions not stated): gnomAD 0.00002 and 0.00066; 1000 Genomes Project 0.00459; gnomAD exomes 0.00227; 1000 Genomes Project 30x 0.00453; TOPMed 0.00012.
gnomAD v4.1: 1,042 of 582,586 alleles (0.18%); highest among the groups gnomAD compares: South Asian, 1.9%; 21 homozygotes.

Submission:

Illumina Laboratory Services, Illumina
Classification: Likely benign for Arrhythmogenic right ventricular dysplasia 10. Last evaluated: 2018-01-13. Review status: criteria provided, single submitter. Criteria: ICSL Variant Classification Criteria 13 December 2019. Collection method: clinical testing. Allele origin: germline.
Comment: This variant was observed in the ICSL laboratory as part of a predisposition screen in an ostensibly healthy population. It had not been previously curated by ICSL or reported in the Human Gene Mutation Database (HGMD: prior to June 1st, 2018), and was therefore a candidate for classification through an automated scoring system. Utilizing variant allele frequency, disease prevalence and penetrance estimates, and inheritance mode, an automated score was calculated to assess if this variant is too frequent to cause the disease. Based on the score and internal cut-off values, a variant classified as likely benign is not then subjected to further curation. The score for this variant resulted in a classification of likely benign for this disease.

NM_001943.5(DSG2):c.*238T>G

Genes: DSG2-AS1 (DSG2 antisense RNA 1; minus strand), DSG2 (desmoglein 2; plus strand). Cytogenetic location: 18q12.1.
Variant type: single nucleotide variant.
Coding change: c.*238T>G on transcript NM_001943.5 (MANE Select); 238 bases downstream of the stop codon, T replaced by G.
Molecular consequence: 3 prime UTR variant.
Genome position (GRCh38, 1-based): chr18:31,546,981, T>G. VCF-style: chr18-31546981-T-G. GRCh37 (hg19) VCF-style: chr18-29126944-T-G.
Other names: c.*238T>G (LRG_397t1).
Identifiers: ClinVar variation 326496 (VCV000326496.5), dbSNP rs555035341, ClinGen allele CA10651542.